The following is an entry in ClinVar:

ClinVar aggregate classification (germline): Uncertain significance. Review status: criteria provided, multiple submitters, no conflicts (2 of 4 stars). 2 submissions from 2 submitters: Uncertain significance (2). Last evaluated 2022-07-06.

Conditions:
Fanconi anemia complementation group E (FANCE). Also called: FANCE-Related Fanconi Anemia. Identifiers: Orphanet 84, MedGen C3160739, MONDO:0010953, OMIM 600901.

Allele frequency attached by ClinVar (database versions not stated): TOPMed below 0.00001; gnomAD 0.00002.

Submissions (2):

Labcorp Genetics (formerly Invitae), Labcorp
Classification: Uncertain significance for Fanconi anemia complementation group E. Last evaluated: 2022-07-06. Review status: criteria provided, single submitter. Criteria: Invitae Variant Classification Sherloc (09022015). Collection method: clinical testing. Allele origin: germline.
Comment: This variant, c.953_958del, is a complex sequence change that results in the deletion of 3 and insertion of 1 amino acid(s) in the FANCE protein (p.Glu318_Ser320delinsGly). This variant is present in population databases (no rsID available, gnomAD 0.01%). This variant has not been reported in the literature in individuals affected with FANCE-related conditions. ClinVar contains an entry for this variant (Variation ID: 471933). Experimental studies and prediction algorithms are not available or were not evaluated, and the functional significance of this variant is currently unknown. In summary, the available evidence is currently insufficient to determine the role of this variant in disease. Therefore, it has been classified as a Variant of Uncertain Significance.

GeneDx
Classification: Uncertain significance. Last evaluated: 2022-03-09. Review status: criteria provided, single submitter. Criteria: GeneDx Variant Classification Process June 2021. Collection method: clinical testing. Allele origin: germline. Affected: yes.
Comment: In-frame deletion of 3 amino acids and insertion of 1 incorrect amino acid in a non-repeat region; Not observed at significant frequency in large population cohorts (gnomAD); Has not been previously published as pathogenic or benign to our knowledge

NM_021922.3(FANCE):c.953_958del (p.Glu318_Ser320delinsGly)

Gene: FANCE (FA complementation group E; plus strand). Cytogenetic location: 6p21.31.
Variant type: Deletion.
Coding change: c.953_958del on transcript NM_021922.3 (MANE Select); coding-DNA positions 953 to 958, 6 bases deleted (AATGTA; older notation c.953_958delAATGTA).
Protein change: p.Glu318_Ser320delinsGly.
Molecular consequence: inframe indel.
Genome position (GRCh38, 1-based): chr6:35,457,968-35,457,973, AATGTA deleted. VCF-style (leftmost placement, unchanged base first): chr6-35457967-GAATGTA-G. GRCh37 (hg19) VCF-style: chr6-35425744-GAATGTA-G.
Other names: c.953_958delAATGTA (NM_021922.2).
Identifiers: ClinVar variation 471933 (VCV000471933.8), dbSNP rs1475613789, ClinGen allele CA566491356.